The following is an entry in ClinVar:

ClinVar aggregate classification (germline): Pathogenic. Review status: criteria provided, multiple submitters, no conflicts (2 of 4 stars). 2 submissions from 2 submitters: Pathogenic (2). Last evaluated 2021-09-16.

Conditions:
Osteogenesis imperfecta, perinatal lethal (OI2). Also called: Osteogenesis imperfecta type 2; OI, TYPE II; OSTEOGENESIS IMPERFECTA CONGENITA; Osteogenesis imperfecta, dominant perinatal lethal; OSTEOGENESIS IMPERFECTA, TYPE II; VROLIK TYPE OF OSTEOGENESIS IMPERFECTA. Identifiers: Orphanet 216804, MedGen C0268358, MONDO:0008147, OMIM 166210.
Osteogenesis imperfecta type III (OI3). Also called: OI type 3; Osteogenesis imperfecta, progressively deforming with normal sclerae; OI type III; Progressively Deforming Osteogenesis Imperfecta; Osteogenesis imperfecta type 3. Identifiers: Orphanet 216812, Orphanet 666, MedGen C0268362, MONDO:0009804, OMIM 259420.
Combined osteogenesis imperfecta and Ehlers-Danlos syndrome 2. Also called: OIEDS SYNDROME 2. Identifiers: MedGen C5436847, MONDO:0030855, OMIM 619120.
Ehlers-Danlos syndrome, arthrochalasia type, 2. Also called: EHLERS-DANLOS SYNDROME, TYPE VIIB, AUTOSOMAL DOMINANT. Identifiers: MedGen CN293783, MONDO:0040501, OMIM 617821.
Osteoporosis. Identifiers: MedGen C0029456, MONDO:0005298, OMIM 166710, HP:0000939.
Osteogenesis imperfecta with normal sclerae, dominant form (OI4). Also called: OSTEOGENESIS IMPERFECTA WITH NORMAL SCLERAE; Osteogenesis Imperfecta Type IV; OSTEOGENESIS IMPERFECTA, TYPE IV, WITH DENTINOGENESIS IMPERFECTA; Common Variable Osteogenesis Imperfecta with Normal Sclerae; Osteogenesis imperfecta type 4. Identifiers: Orphanet 216820, Orphanet 666, MedGen C0268363, MONDO:0008148, OMIM 166220.
Ehlers-Danlos syndrome, cardiac valvular type. Identifiers: Orphanet 230851, MedGen C4303789, MONDO:0009159, OMIM 225320.
Osteogenesis imperfecta type I (OI1). Also called: OI, TYPE I; OSTEOGENESIS IMPERFECTA TARDA; OSTEOGENESIS IMPERFECTA WITH BLUE SCLERAE; Lobstein's Disease; Classic Non-deforming Osteogenesis Imperfecta with Blue Sclerae; Lobstein disease. Identifiers: Orphanet 216796, Orphanet 666, MedGen C0023931, MONDO:0008146, OMIM 166200. Disease mechanism: loss of function.
Ehlers-Danlos syndrome, classic type, 1 (EDSCL1). Also called: Ehlers-Danlos Syndrome, Classic Type, COL5A1-Related; EDS I; Ehlers-Danlos syndrome, type 1; EHLERS-DANLOS SYNDROME, GRAVIS TYPE; EHLERS-DANLOS SYNDROME, SEVERE CLASSIC TYPE. Identifiers: MedGen C0268335, MONDO:0019567, OMIM 130000.

Submissions (2):

Fulgent Genetics
Classification: Pathogenic for Osteogenesis imperfecta, perinatal lethal; Osteogenesis imperfecta with normal sclerae, dominant form; Osteoporosis; Ehlers-Danlos syndrome, cardiac valvular type; Osteogenesis imperfecta type III; Ehlers-Danlos syndrome, arthrochalasia type, 2; Combined osteogenesis imperfecta and Ehlers-Danlos syndrome 2. Last evaluated: 2021-09-16. Review status: criteria provided, single submitter. Criteria: ACMG Guidelines, 2015. Collection method: clinical testing. Allele origin: unknown.

Labcorp Genetics (formerly Invitae), Labcorp
Classification: Pathogenic for Osteogenesis imperfecta type I; Ehlers-Danlos syndrome, classic type, 1. Last evaluated: 2018-06-18. Review status: criteria provided, single submitter. Criteria: Invitae Variant Classification Sherloc (09022015). Collection method: clinical testing. Allele origin: germline.
Comment: For these reasons, this variant has been classified as Pathogenic. Glycine residues within the Gly-Xaa-Yaa repeats of the triple helix domain are required for the structure and stability of fibrillar collagens (PMID: 7695699, 8218237, 19344236). In COL1A2, missense variants at these glycine residues are significantly enriched in individuals with disease (PMID: 9016532, 17078022) compared to the general population (ExAC). Variants that disrupt the p,Gly376 amino acid residue in COL1A2 have been observed in affected individuals (PMID: 17078022, 27509835, 9240878). Algorithms developed to predict the effect of missense changes on protein structure and function (SIFT, PolyPhen-2, Align-GVGD) all suggest that this variant is likely to be disruptive, but these predictions have not been confirmed by published functional studies and their clinical significance is uncertain. This variant is not present in population databases (ExAC no frequency). This sequence change replaces glycine with valine at codon 376 of the COL1A2 protein (p.Gly376Val). The glycine residue is highly conserved and there is a moderate physicochemical difference between glycine and valine.

Literature cited by the submitters: PubMed 7695699 (cited by Labcorp Genetics (formerly Invitae), Labcorp); PubMed 8218237 (cited by Labcorp Genetics (formerly Invitae), Labcorp); PubMed 19344236 (cited by Labcorp Genetics (formerly Invitae), Labcorp); PubMed 9016532 (cited by Labcorp Genetics (formerly Invitae), Labcorp); PubMed 17078022 (cited by Labcorp Genetics (formerly Invitae), Labcorp); PubMed 27509835 (cited by Labcorp Genetics (formerly Invitae), Labcorp); PubMed 9240878 (cited by Labcorp Genetics (formerly Invitae), Labcorp).

NM_000089.4(COL1A2):c.1127G>T (p.Gly376Val)

Gene: COL1A2 (collagen type I alpha 2 chain; plus strand). Cytogenetic location: 7q21.3.
Variant type: single nucleotide variant.
Coding change: c.1127G>T on transcript NM_000089.4 (MANE Select); coding-DNA position 1127, G replaced by T.
Protein change: p.Gly376Val; replaces glycine 376 with valine.
Molecular consequence: missense variant.
Genome position (GRCh38, 1-based): chr7:94,410,457, G>T. VCF-style: chr7-94410457-G-T. GRCh37 (hg19) VCF-style: chr7-94039769-G-T.
Other names: short protein forms G376V.
Identifiers: ClinVar variation 579070 (VCV000579070.12), dbSNP rs67543427, ClinGen allele CA162921116.
Genomic context (GRCh38, chr7:94,410,457, plus strand): 5'-CTTTTGTTCTTTTCATTAAACAGGGCTCTGCTGGGCCCCAAGGTCCTCCTGGTCCCAGTG[G>T]TGAAGAAGGAAAGAGAGGCCCTAATGGGGAAGCTGGATCTGCCGGCCCTCCAGGACCTCC-3'
Protein context (NP_000080.2, residues 366-386): AGPQGPPGPS[Gly376Val]EEGKRGPNGE